The following is an entry in ClinVar:

NM_152387.4(KCTD18):c.1071G>T (p.Thr357=)

Gene: KCTD18 (potassium channel tetramerization domain containing 18; minus strand). Cytogenetic location: 2q33.1.
Variant type: single nucleotide variant.
Coding change: c.1071G>T on transcript NM_152387.4 (MANE Select); coding-DNA position 1071, G replaced by T.
Protein change: p.Thr357=; no amino-acid change (threonine 357 retained).
Molecular consequence: synonymous variant.
Genome position (GRCh38, 1-based): chr2:200,490,310, C>A on the plus strand (G>T on the coding strand, the complement: KCTD18 is on the minus strand). VCF-style: chr2-200490310-C-A. GRCh37 (hg19) VCF-style: chr2-201355033-C-A.
Other names: c.1071G>T, p.Thr357= (NM_001321547.2); c.444G>T, p.Thr148= (NM_001321548.2, NM_001321550.2).
Identifiers: ClinVar variation 3035604 (VCV003035604.2), dbSNP rs569262259, ClinGen allele CA2047520.

ClinVar aggregate classification (germline): Likely benign (0 of 4 stars; one submission).

Conditions:
KCTD18-related disorder. Also called: KCTD18-related condition.

gnomAD v4.1: 19 of 1,614,132 alleles (0.0012%); highest among the groups gnomAD compares: Admixed American, 0.032%; no homozygotes.

Submission:

PreventionGenetics, part of Exact Sciences
Classification: Likely benign for KCTD18-related condition. Last evaluated: 2019-07-29. Review status: no assertion criteria provided. Collection method: clinical testing. Allele origin: germline.
Comment: This variant is classified as likely benign based on ACMG/AMP sequence variant interpretation guidelines (Richards et al. 2015 PMID: 25741868, with internal and published modifications).